The following is an entry in ClinVar:

NM_000492.4(CFTR):c.1736A>G (p.Asp579Gly)

Gene: CFTR (CF transmembrane conductance regulator; plus strand). Cytogenetic location: 7q31.2.
Variant type: single nucleotide variant.
Coding change: c.1736A>G on transcript NM_000492.4 (MANE Select); coding-DNA position 1736, A replaced by G.
Protein change: p.Asp579Gly; replaces aspartic acid 579 with glycine.
Molecular consequence: missense variant.
Genome position (GRCh38, 1-based): chr7:117,590,409, A>G. VCF-style: chr7-117590409-A-G. GRCh37 (hg19) VCF-style: chr7-117230463-A-G.
Other names: short protein forms D579G.
Identifiers: ClinVar variation 53365 (VCV000053365.45), dbSNP rs397508288, ClinGen allele CA326644.

ClinVar aggregate classification (germline): drug response. Review status: reviewed by expert panel (3 of 4 stars). 17 submissions from 15 submitters: drug response (1). 16 of the submissions do not count toward it. Last evaluated 2021-03-24.

Conditions:
Cystic fibrosis (CF). Also called: MUCOVISCIDOSIS. Identifiers: Orphanet 586, MedGen C0010674, MONDO:0009061, OMIM 219700. Disease mechanism: loss of function.
CFTR-related disorder (CFTR-RD). Also called: CFTR-related disorders; CFTR-related condition. Identifiers: MedGen C5924204, MONDO:7770004.
Congenital bilateral aplasia of vas deferens from CFTR mutation (CBAVD). Identifiers: Orphanet 48, MedGen C0403814, MONDO:0010178, OMIM 277180. Disease mechanism: loss of function.
Bronchiectasis with or without elevated sweat chloride 1 (BESC1). Also called: Cystic Fibrosis-Like Syndrome. Identifiers: Orphanet 60033, MedGen C2749757, MONDO:0008887, OMIM 211400.
ivacaftor response - Efficacy. Identifiers: MedGen CN322735.

Allele frequency attached by ClinVar (database versions not stated): gnomAD exomes below 0.00001.
gnomAD v4.1: 1 of 1,603,116 alleles (0.000062%); highest among the groups gnomAD compares: Non-Finnish European, 0.000085%; no homozygotes.

Submissions 1 to 10 of 17:

ClinPGx
Classification: drug response for ivacaftor response - Efficacy. Last evaluated: 2021-03-24. Review status: reviewed by expert panel. Criteria: Pharmacogenomics knowledge for personalized medicine. Collection method: curation. Allele origin: germline. Affected: yes.
Comment: PharmGKB Level of Evidence 1A: Level 1A clinical annotations describe variant-drug combinations that have variant-specific prescribing guidance available in a current clinical guideline annotation or an FDA-approved drug label annotation. Annotations of drug labels or clinical guidelines must give prescribing guidance for specific variants (e.g. CYP2C9*3, HLA-B*57:01) or provide mapping from defined allele functions to diplotypes and phenotypes to be used as supporting evidence for a level 1A clinical annotation. Level 1A clinical annotations must also be supported by at least one publication in addition to a clinical guideline or drug label with variant-specific prescribing guidance.

Drug is not necessarily used to treat response condition

Natera, Inc.
Classification: Pathogenic for CFTR-related disorders. Last evaluated: 2025-11-18. Review status: criteria provided, single submitter. Criteria: Natera Variant Classification Schema (03/2026). Collection method: clinical testing. Allele origin: germline. Not counted in ClinVar's aggregate classification.
Comment: The c.1736A>G variant in CFTR is a missense variant predicted to cause substitution of aspartic acid to glycine at amino acid 579. This variant is rare in the general population with a frequency below the threshold expected for the associated phenotype(s). This variant has been observed in one or more individuals affected with the associated recessive disease, as either homozygous or compound heterozygous with a second variant (PMID: 30134826). Given the available evidence, this variant is classified as Pathogenic.

Ambry Genetics
Classification: Pathogenic for Cystic fibrosis. Last evaluated: 2025-05-27. Review status: criteria provided, single submitter. Criteria: Ambry Variant Classification Scheme 2023. Collection method: clinical testing. Allele origin: germline. Not counted in ClinVar's aggregate classification.
Comment: The p.D579G pathogenic mutation (also known as c.1736A>G), located in coding exon 13 of the CFTR gene, results from an A to G substitution at nucleotide position 1736. The aspartic acid at codon 579 is replaced by glycine, an amino acid with similar properties. This variant has been observed in the homozygous state in multiple individuals diagnosed with non-classical cystic fibrosis presentations, including borderline or intermediate sweat chloride levels, mild or no pulmonary disease, and pancreatic sufficiency (Picci L et al. Hum. Mutat. 1999; 13:173; Salvatore D et al. J. Cyst. Fibros. 2004; 3:135-6; Al-Atawi MS et al. BMJ Case Rep, 2015 Oct;2015:). The p.D579G alteration has been reported as a variant of varying clinical consequences (VVCC) and has been identified in trans with a pathogenic mutation in individuals with no disease, CFTR-related disorders, or with cystic fibrosis (Sosnay PR et al. Nat. Genet., 2013 Oct;45:1160-7; Bombieri C et al. Semin Respir Crit Care Med, 2015 Apr;36:180-93; Terlizzi V et al. J. Med. Genet., 2017 04;54:224-235). This amino acid position is highly conserved in available vertebrate species. In addition, this alteration is predicted to be deleterious by in silico analysis. Based on the supporting evidence, this variant is interpreted as a disease-causing mutation.

Quest Diagnostics Nichols Institute San Juan Capistrano
Classification: Pathogenic. Last evaluated: 2025-04-08. Review status: criteria provided, single submitter. Criteria: Quest Diagnostics criteria. Collection method: clinical testing. Allele origin: unknown. Not counted in ClinVar's aggregate classification.
Comment: The CFTR c.1736A>G (p.Asp579Gly) variant has been reported in multiple individuals with cystic fibrosis (CF) (PMID: 30134826 (2018), 28546993 (2017), 27812499 (2016), 15638824 (2005), 12167682 (2002), 12133923 (2002), 7544319 (1995)), and in an individual with CFTR-related disorder (PMID: 27738188 (2016)). This variant in the homozygous state has also been reported in individuals who presented with mild or non-classic CF symptoms (PMID: 26494713 (2015), 15463898 (2004), 10094564 (1999)). A functional study indicate this variant causes reduced CFTR chloride transport (PMID: 23891399 (2014)). The frequency of this variant in the general population (Genome Aggregation Database) is uninformative in the assessment of its pathogenicity. Analysis of this variant using bioinformatics tools for the prediction of the effect of amino acid changes on protein structure and function yielded predictions that this variant is damaging. Based on the available information, this variant is classified as pathogenic.

CeGaT Center for Human Genetics Tuebingen
Classification: Pathogenic. Last evaluated: 2025-02-01. Review status: criteria provided, single submitter. Criteria: CeGaT Center For Human Genetics Tuebingen Variant Classification Criteria Version 2. Collection method: clinical testing. Allele origin: germline. Affected: yes. Observed: 1 variant allele. Not counted in ClinVar's aggregate classification.
Comment: CFTR: PM3:Very Strong, PM2, PS3:Moderate

GeneDx
Classification: Pathogenic. Last evaluated: 2024-11-21. Review status: criteria provided, single submitter. Criteria: GeneDx Variant Classification Process June 2021. Collection method: clinical testing. Allele origin: germline. Affected: yes. Not counted in ClinVar's aggregate classification.
Comment: Classified as a variant of varying clinical consequence in a well-curated database (CFTR2); Not observed at significant frequency in large population cohorts (gnomAD); In silico analysis supports that this missense variant has a deleterious effect on protein structure/function; Also known as CFTR c.1868A>G; This variant is associated with the following publications: (PMID: 15463898, 23974870, 25489051, 22658665, 29805046, 16132229, 26823392, 25910067, 26494713, 22423042, 25583415, 34782259, 27812499, 31036917, 7544319, 27738188, 31130284, 10094564, 23891399)

Labcorp Genetics (formerly Invitae), Labcorp
Classification: Pathogenic for Cystic fibrosis. Last evaluated: 2024-05-26. Review status: criteria provided, single submitter. Criteria: Invitae Variant Classification Sherloc (09022015). Collection method: clinical testing. Allele origin: germline. Not counted in ClinVar's aggregate classification.
Comment: This sequence change replaces aspartic acid, which is acidic and polar, with glycine, which is neutral and non-polar, at codon 579 of the CFTR protein (p.Asp579Gly). This variant is present in population databases (rs397508288, gnomAD no frequency). This missense change has been observed in individual(s) with cystic fibrosis (PMID: 7544319, 15463898, 26494713, 27738188, 27812499). ClinVar contains an entry for this variant (Variation ID: 53365). Advanced modeling of protein sequence and biophysical properties (such as structural, functional, and spatial information, amino acid conservation, physicochemical variation, residue mobility, and thermodynamic stability) performed at Invitae indicates that this missense variant is expected to disrupt CFTR protein function with a positive predictive value of 80%. Experimental studies have shown that this missense change affects CFTR function (PMID: 23891399). Algorithms developed to predict the effect of sequence changes on RNA splicing suggest that this variant may disrupt the consensus splice site. For these reasons, this variant has been classified as Pathogenic.

Genomic Medicine Center of Excellence, King Faisal Specialist Hospital and Research Centre
Classification: Pathogenic for Cystic fibrosis. Last evaluated: 2024-04-04. Review status: criteria provided, single submitter. Criteria: ACMG Guidelines, 2015. Collection method: clinical testing. Allele origin: germline. Not counted in ClinVar's aggregate classification.

Baylor Genetics
Classification: Pathogenic for Bronchiectasis with or without elevated sweat chloride 1. Last evaluated: 2023-12-29. Review status: criteria provided, single submitter. Criteria: ACMG Guidelines, 2015. Collection method: clinical testing. Allele origin: unknown. Not counted in ClinVar's aggregate classification.

Blueprint Genetics
Classification: Pathogenic for CFTR-related disorders. Last evaluated: 2022-08-12. Review status: criteria provided, single submitter. Criteria: ACMG Guidelines, 2015. Collection method: clinical testing. Allele origin: germline. Affected: yes. Observed: 2 variant alleles. Not counted in ClinVar's aggregate classification.